The following is an entry in ClinVar:

ClinVar aggregate classification (germline): Likely benign (1 of 4 stars; one submission).

Submission:

CeGaT Center for Human Genetics Tuebingen
Classification: Likely benign. Last evaluated: 2026-04-01. Review status: criteria provided, single submitter. Criteria: CeGaT Center For Human Genetics Tuebingen Variant Classification Criteria Version 2. Collection method: clinical testing. Allele origin: germline. Affected: yes. Observed: 1 variant allele.
Comment: COL7A1: PM2:Supporting, BP4, BP7

NM_000094.4(COL7A1):c.7383A>T (p.Gly2461=)

Gene: COL7A1 (collagen type VII alpha 1 chain; minus strand). Cytogenetic location: 3p21.31.
Variant type: single nucleotide variant.
Coding change: c.7383A>T on transcript NM_000094.4 (MANE Select); coding-DNA position 7383, A replaced by T.
Protein change: p.Gly2461=; no amino-acid change (glycine 2461 retained).
Molecular consequence: synonymous variant.
Genome position (GRCh38, 1-based): chr3:48,570,332, T>A on the plus strand (A>T on the coding strand, the complement: COL7A1 is on the minus strand). VCF-style: chr3-48570332-T-A. GRCh37 (hg19) VCF-style: chr3-48607765-T-A.
Identifiers: ClinVar variation 4873812 (VCV004873812.2).